The following is an entry in ClinVar:

ClinVar aggregate classification (germline): Uncertain significance (1 of 4 stars; one submission).

Conditions:
Charcot-Marie-Tooth disease dominant intermediate B (CMTDIB). Also called: CHARCOT-MARIE-TOOTH NEUROPATHY, DOMINANT INTERMEDIATE B; Charcot-Marie-Tooth disease dominant intermediate 1; CMT DI1; Charcot-Marie-Tooth disease dominant intermediate I. Identifiers: Orphanet 100044, Orphanet 228179, MedGen C1847902, MONDO:0011674, OMIM 606482.

Allele frequency attached by ClinVar (database versions not stated): gnomAD 0.00001; TOPMed 0.00001.
gnomAD v4.1: 1 of 1,614,028 alleles (0.000062%); highest among the groups gnomAD compares: African/African-American, 0.0013%; no homozygotes.

Submission:

Labcorp Genetics (formerly Invitae), Labcorp
Classification: Uncertain significance for Charcot-Marie-Tooth disease dominant intermediate B. Last evaluated: 2025-11-18. Review status: criteria provided, single submitter. Criteria: Invitae Variant Classification Sherloc (09022015). Collection method: clinical testing. Allele origin: germline.
Comment: This sequence change replaces lysine, which is basic and polar, with arginine, which is basic and polar, at codon 508 of the DNM2 protein (p.Lys508Arg). This variant is not present in population databases (gnomAD no frequency). This variant has not been reported in the literature in individuals affected with DNM2-related conditions. ClinVar contains an entry for this variant (Variation ID: 2181483). Invitae Evidence Modeling of protein sequence and biophysical properties (such as structural, functional, and spatial information, amino acid conservation, physicochemical variation, residue mobility, and thermodynamic stability) indicates that this missense variant is not expected to disrupt DNM2 protein function with a negative predictive value of 95%. In summary, the available evidence is currently insufficient to determine the role of this variant in disease. Therefore, it has been classified as a Variant of Uncertain Significance.

NM_001005361.3(DNM2):c.1523A>G (p.Lys508Arg)

Gene: DNM2 (dynamin 2; plus strand). Cytogenetic location: 19p13.2.
Variant type: single nucleotide variant.
Coding change: c.1523A>G on transcript NM_001005361.3 (MANE Select); coding-DNA position 1523, A replaced by G.
Protein change: p.Lys508Arg; replaces lysine 508 with arginine.
Molecular consequence: missense variant.
Genome position (GRCh38, 1-based): chr19:10,805,945, A>G. VCF-style: chr19-10805945-A-G. GRCh37 (hg19) VCF-style: chr19-10916621-A-G.
Other names: c.1523A>G, p.Lys508Arg (NM_001005360.3, NM_001005362.3, NM_001190716.2 and 1 more transcripts); short protein forms K508R.
Identifiers: ClinVar variation 2181483 (VCV002181483.4), dbSNP rs1198805165, ClinGen allele CA404038794.